The following is an entry in ClinVar:

NM_174934.4(SCN4B):c.62-16G>A

Genes: SCN4B (sodium voltage-gated channel beta subunit 4; minus strand), LOC130006838 (ATAC-STARR-seq lymphoblastoid active region 5583; plus strand). Cytogenetic location: 11q23.3.
Variant type: single nucleotide variant.
Coding change: c.62-16G>A on transcript NM_174934.4 (MANE Select); 16 bases into the intron before coding-DNA position 62, G replaced by A.
Molecular consequence: intron variant. On other transcripts: 5 prime UTR variant (1), non-coding transcript variant (1).
Genome position (GRCh38, 1-based): chr11:118,145,245, C>T on the plus strand (G>A on the coding strand, the complement: SCN4B is on the minus strand). VCF-style: chr11-118145245-C-T. GRCh37 (hg19) VCF-style: chr11-118015960-C-T.
Other names: c.-285G>A (NM_001142349.2); c.62-3909G>A (NM_001142348.2).
Identifiers: ClinVar variation 811996 (VCV000811996.12), dbSNP rs772762943, ClinGen allele CA6300299.

ClinVar aggregate classification (germline): Conflicting classifications of pathogenicity. Review status: criteria provided, conflicting classifications (1 of 4 stars). 2 submissions from 2 submitters: Uncertain significance (1); Likely benign (1). Last evaluated 2023-11-25.

Conditions:
Long QT syndrome 10 (LQT10). Identifiers: Orphanet 101016, Orphanet 768, MedGen C2678484, MONDO:0012737, OMIM 611819.

Allele frequency attached by ClinVar (database versions not stated): gnomAD exomes below 0.00001; ExAC 0.00001; gnomAD 0.00001; TOPMed 0.00001.
gnomAD v4.1: 7 of 1,613,682 alleles (0.00043%); highest among the groups gnomAD compares: Admixed American, 0.0017%; no homozygotes.

Submissions (2):

Labcorp Genetics (formerly Invitae), Labcorp
Classification: Uncertain significance for Long QT syndrome 10. Last evaluated: 2023-11-25. Review status: criteria provided, single submitter. Criteria: Invitae Variant Classification Sherloc (09022015). Collection method: clinical testing. Allele origin: germline.
Comment: This sequence change falls in intron 1 of the SCN4B gene. It does not directly change the encoded amino acid sequence of the SCN4B protein. This variant is present in population databases (rs772762943, gnomAD 0.0009%). This variant has not been reported in the literature in individuals affected with SCN4B-related conditions. ClinVar contains an entry for this variant (Variation ID: 811996). Algorithms developed to predict the effect of sequence changes on RNA splicing suggest that this variant may disrupt the consensus splice site. In summary, the available evidence is currently insufficient to determine the role of this variant in disease. Therefore, it has been classified as a Variant of Uncertain Significance.

ARUP Laboratories, Molecular Genetics and Genomics, ARUP Laboratories
Classification: Likely benign. Last evaluated: 2019-05-10. Review status: criteria provided, single submitter. Criteria: ARUP Molecular Germline Variant Investigation Process. Collection method: clinical testing. Allele origin: germline.